The following is an entry in ClinVar:

NM_002907.4(RECQL):c.1921G>A (p.Ala641Thr)

Genes: PYROXD1 (pyridine nucleotide-disulphide oxidoreductase domain 1; plus strand), RECQL (RecQ like helicase; minus strand). Cytogenetic location: 12p12.1.
Variant type: single nucleotide variant.
Coding change: c.1921G>A on transcript NM_002907.4 (MANE Select); coding-DNA position 1921, G replaced by A.
Protein change: p.Ala641Thr; replaces alanine 641 with threonine.
Molecular consequence: missense variant. On other transcripts: 3 prime UTR variant (3).
Genome position (GRCh38, 1-based): chr12:21,470,223, C>T on the plus strand (G>A on the coding strand, the complement: RECQL is on the minus strand). VCF-style: chr12-21470223-C-T. GRCh37 (hg19) VCF-style: chr12-21623157-C-T.
Other names: c.1921G>A, p.Ala641Thr (NM_032941.3); c.*1469C>T (NM_001350912.2, NM_001350913.2, NM_024854.5); short protein forms A641T.
Identifiers: ClinVar variation 3787907 (VCV003787907.1).
Genomic context (GRCh38, chr12:21,470,223, plus strand): 5'-TCTTTAATTAGAAAATTTAGTAACATTCATATCAGGCATCATCGATTTTTCTTTTCTTAG[C>T]TCCTGTATTCTTAGAACCAGATTGCTGAAGCATGTTTGCAGCCTTCTTCTGGAAGTTGCC-3'
Protein context (NP_002898.2, residues 631-649): LQQSGSKNTG[Ala641Thr]KKRKIDDA

ClinVar aggregate classification (germline): Uncertain significance (1 of 4 stars; one submission).

Submission:

Ambry Genetics
Classification: Uncertain significance. Last evaluated: 2025-01-17. Review status: criteria provided, single submitter. Criteria: Ambry Variant Classification Scheme 2023. Collection method: clinical testing. Allele origin: germline.
Comment: The p.A641T variant (also known as c.1921G>A), located in coding exon 14 of the RECQL gene, results from a G to A substitution at nucleotide position 1921. The alanine at codon 641 is replaced by threonine, an amino acid with similar properties. This amino acid position is conserved. In addition, this alteration is predicted to be tolerated by in silico analysis. Based on the available evidence, the clinical significance of this variant remains unclear.